The following is an entry in ClinVar:

ClinVar aggregate classification (germline): Likely benign. Review status: criteria provided, multiple submitters, no conflicts (2 of 4 stars). 2 submissions from 2 submitters: Likely benign (2). Last evaluated 2025-11-03.

Allele frequency attached by ClinVar (database versions not stated): TOPMed 0.00011.

Submissions (3):

Labcorp Genetics (formerly Invitae), Labcorp
Classification: Likely benign. Last evaluated: 2025-11-03. Review status: criteria provided, single submitter. Criteria: Invitae Variant Classification Sherloc (09022015). Collection method: clinical testing. Allele origin: germline.

GeneDx
Classification: Likely benign. Last evaluated: 2017-07-13. Review status: criteria provided, single submitter. Criteria: GeneDx Variant Classification (06012015). Collection method: clinical testing. Allele origin: germline. Affected: yes.
Comment: This variant is considered likely benign or benign based on one or more of the following criteria: it is a conservative change, it occurs at a poorly conserved position in the protein, it is predicted to be benign by multiple in silico algorithms, and/or has population frequency not consistent with disease.

Dr. Peter K. Rogan Lab, Western University
No classification provided (evidence only). Condition: Hepatocellular carcinoma. Review status: no classification provided. Collection method: in vitro. Allele origin: not applicable. Functional consequence: retained intron. Not counted in ClinVar's aggregate classification.

NM_002291.3(LAMB1):c.3300G>A (p.Thr1100=)

Gene: LAMB1 (laminin subunit beta 1; minus strand). Cytogenetic location: 7q31.1.
Variant type: single nucleotide variant.
Coding change: c.3300G>A on transcript NM_002291.3 (MANE Select); coding-DNA position 3300, G replaced by A.
Protein change: p.Thr1100=; no amino-acid change (threonine 1100 retained).
Molecular consequence: synonymous variant.
Genome position (GRCh38, 1-based): chr7:107,951,317, C>T on the plus strand (G>A on the coding strand, the complement: LAMB1 is on the minus strand). VCF-style: chr7-107951317-C-T. GRCh37 (hg19) VCF-style: chr7-107591762-C-T.
Identifiers: ClinVar variation 510716 (VCV000510716.9), dbSNP rs139955747, ClinGen allele CA4435368.